The following is an entry in ClinVar:

NM_002016.2(FLG):c.4173T>C (p.Ser1391=)

Genes: CCDST (cervical cancer associated DHX9 suppressive transcript; plus strand), FLG (filaggrin; minus strand). Cytogenetic location: 1q21.3.
Variant type: single nucleotide variant.
Coding change: c.4173T>C on transcript NM_002016.2 (MANE Select); coding-DNA position 4173, T replaced by C.
Protein change: p.Ser1391=; no amino-acid change (serine 1391 retained).
Molecular consequence: synonymous variant.
Genome position (GRCh38, 1-based): chr1:152,310,713, A>G on the plus strand (T>C on the coding strand, the complement: FLG is on the minus strand). VCF-style: chr1-152310713-A-G. GRCh37 (hg19) VCF-style: chr1-152283189-A-G.
Identifiers: ClinVar variation 4872901 (VCV004872901.2).

ClinVar aggregate classification (germline): Likely benign (1 of 4 stars; one submission).

gnomAD v4.1: 24 of 1,613,752 alleles (0.0015%); highest among the groups gnomAD compares: Admixed American, 0.025%; no homozygotes.

Submission:

CeGaT Center for Human Genetics Tuebingen
Classification: Likely benign. Last evaluated: 2026-03-01. Review status: criteria provided, single submitter. Criteria: CeGaT Center For Human Genetics Tuebingen Variant Classification Criteria Version 2. Collection method: clinical testing. Allele origin: germline. Affected: yes. Observed: 1 variant allele.
Comment: FLG: BP4, BP7